The following is an entry in ClinVar:

ClinVar aggregate classification (germline): Uncertain significance (1 of 4 stars; one submission).

Allele frequency attached by ClinVar (database versions not stated): TOPMed below 0.00001; gnomAD 0.00001; gnomAD exomes 0.00001.
gnomAD v4.1: 16 of 1,551,600 alleles (0.001%); highest among the groups gnomAD compares: Non-Finnish European, 0.0014%; no homozygotes.

Submission:

GeneDx
Classification: Uncertain significance. Last evaluated: 2019-11-22. Review status: criteria provided, single submitter. Criteria: GeneDx Variant Classification Process June 2021. Collection method: clinical testing. Allele origin: germline. Affected: yes.
Comment: Not observed in large population cohorts (Lek et al., 2016); In silico analysis, which includes protein predictors and evolutionary conservation, supports a deleterious effect; Has not been previously published as pathogenic or benign to our knowledge

NM_001384474.1(LOXHD1):c.4691T>C (p.Leu1564Pro)

Gene: LOXHD1 (lipoxygenase homology PLAT domains 1; minus strand). Cytogenetic location: 18q21.1.
Variant type: single nucleotide variant.
Coding change: c.4691T>C on transcript NM_001384474.1 (MANE Select); coding-DNA position 4691, T replaced by C.
Protein change: p.Leu1564Pro; replaces leucine 1564 with proline.
Molecular consequence: missense variant.
Genome position (GRCh38, 1-based): chr18:46,524,757, A>G on the plus strand (T>C on the coding strand, the complement: LOXHD1 is on the minus strand). VCF-style: chr18-46524757-A-G. GRCh37 (hg19) VCF-style: chr18-44104720-A-G.
Other names: c.1358T>C, p.Leu453Pro (NM_001145472.3); c.1070T>C, p.Leu357Pro (NM_001308013.2); c.4691T>C, p.Leu1564Pro (NM_144612.7); short protein forms L1564P, L357P, L453P.
Identifiers: ClinVar variation 1318661 (VCV001318661.2), dbSNP rs1358259929, ClinGen allele CA402373217.